The following is an entry in ClinVar:

NM_001384732.1(CPLANE1):c.3859G>C (p.Asp1287His)

Gene: CPLANE1 (ciliogenesis and planar polarity effector complex subunit 1; minus strand). Cytogenetic location: 5p13.2.
Variant type: single nucleotide variant.
Coding change: c.3859G>C on transcript NM_001384732.1 (MANE Select); coding-DNA position 3859, G replaced by C.
Protein change: p.Asp1287His; replaces aspartic acid 1287 with histidine.
Molecular consequence: missense variant.
Genome position (GRCh38, 1-based): chr5:37,187,795, C>G on the plus strand (G>C on the coding strand, the complement: CPLANE1 is on the minus strand). VCF-style: chr5-37187795-C-G. GRCh37 (hg19) VCF-style: chr5-37187897-C-G.
Other names: c.3859G>C, p.Asp1287His (NM_023073.4); short protein forms D1287H.
Identifiers: ClinVar variation 157516 (VCV000157516.6), dbSNP rs606231261, ClinGen allele CA170948.

ClinVar aggregate classification (germline): Conflicting classifications of pathogenicity. Review status: criteria provided, conflicting classifications (1 of 4 stars). 4 submissions from 4 submitters: Pathogenic (1); Likely pathogenic (1); Uncertain significance (1). 1 of the submissions does not count toward it. Last evaluated 2025-10-21.

Conditions:
Orofaciodigital syndrome type 6 (OFD6). Also called: OROFACIODIGITAL SYNDROME VI; OFDS VI; POLYDACTYLY, CLEFT LIP/PALATE OR LINGUAL LUMP, AND PSYCHOMOTOR RETARDATION; VARADI SYNDROME; VARADI-PAPP SYNDROME; Oral-facial-digital syndrome type 6. Identifiers: Orphanet 2754, MedGen C2745997, MONDO:0010176, OMIM 277170.

Allele frequency attached by ClinVar (database versions not stated): gnomAD exomes 0.00001; ExAC 0.00002.
gnomAD v4.1: 13 of 1,613,866 alleles (0.00081%); highest among the groups gnomAD compares: Non-Finnish European, 0.0011%; no homozygotes.

Submissions (4):

Women's Health and Genetics/Laboratory Corporation of America, LabCorp
Classification: Uncertain significance. Last evaluated: 2025-10-21. Review status: criteria provided, single submitter. Criteria: LabCorp Variant Classification Summary - May 2015. Collection method: clinical testing. Allele origin: germline.
Comment: Variant summary: CPLANE1 c.3859G>C (p.Asp1287His) results in a non-conservative amino acid change in the encoded protein sequence. Algorithms developed to predict the effect of missense changes on protein structure and function are either unavailable or do not agree on the potential impact of this missense change. The variant allele was found at a frequency of 8.1e-06 in 1613866 control chromosomes. This frequency is not significantly higher than estimated for disease-causing variants in CPLANE1, allowing no conclusion about variant significance. c.3859G>C has been observed in the presumed or confirmed compound heterozygous state in at least 3 individuals affected with Orofaciodigital Syndrome 6 (Lopez_2014), including at least 1 family where it segregated with disease in trans with a likely pathogenic/pathogenic variant. These data indicate that the variant may be associated with disease. To our knowledge, no experimental evidence demonstrating an impact on protein function has been reported. The following publications have been ascertained in the context of this evaluation (PMID: 39725884, 29605658, 29955609, 25407461, 27141300, 24178751). ClinVar contains an entry for this variant (Variation ID: 157516). Based on the evidence outlined above, the variant was classified as VUS-possibly pathogenic.

Labcorp Genetics (formerly Invitae), Labcorp
Classification: Pathogenic. Last evaluated: 2025-09-10. Review status: criteria provided, single submitter. Criteria: Invitae Variant Classification Sherloc (09022015). Collection method: clinical testing. Allele origin: germline.
Comment: This sequence change replaces aspartic acid, which is acidic and polar, with histidine, which is basic and polar, at codon 1287 of the CPLANE1 protein (p.Asp1287His). This sequence change replaces aspartic acid, which is acidic and polar, with histidine, which is basic and polar, at codon 1287 of the CPLANE1 protein (p.Asp1287His). This variant is present in population databases (rs606231261, gnomAD 0.002%). This variant is present in population databases (rs606231261, gnomAD 0.002%). This missense change has been observed in individual(s) with Oral-facial-digital syndrome type VI (PMID: 24178751). In at least one individual the data is consistent with being in trans (on the opposite chromosome) from a pathogenic variant. It has also been observed to segregate with disease in related individuals. ClinVar contains an entry for this variant (Variation ID: 157516). Invitae Evidence Modeling of protein sequence and biophysical properties (such as structural, functional, and spatial information, amino acid conservation, physicochemical variation, residue mobility, and thermodynamic stability) indicates that this missense variant is expected to disrupt CPLANE1 protein function with a positive predictive value of 80%. For these reasons, this variant has been classified as Pathogenic. For these reasons, this variant has been classified as Pathogenic.

GeneDx
Classification: Likely pathogenic. Last evaluated: 2020-01-31. Review status: criteria provided, single submitter. Criteria: GeneDx Variant Classification Process June 2021. Collection method: clinical testing. Allele origin: germline. Affected: yes.
Comment: Not observed at a significant frequency in large population cohorts (Lek et al., 2016); In silico analysis supports that this missense variant has a deleterious effect on protein structure/function; This variant is associated with the following publications: (PMID: 24178751)

OMIM
Classification: Pathogenic for OROFACIODIGITAL SYNDROME VI. Last evaluated: 2014-03-01. Review status: no assertion criteria provided. Collection method: literature only. Allele origin: germline. Not counted in ClinVar's aggregate classification.

Literature cited by the submitters: PubMed 25407461 (cited by Women's Health and Genetics/Laboratory Corporation of America, LabCorp); PubMed 29605658 (cited by Women's Health and Genetics/Laboratory Corporation of America, LabCorp); PubMed 29955609 (cited by Women's Health and Genetics/Laboratory Corporation of America, LabCorp); PubMed 24178751 (cited by 3 submitters); PubMed 39725884 (cited by Women's Health and Genetics/Laboratory Corporation of America, LabCorp); PubMed 27141300 (cited by Women's Health and Genetics/Laboratory Corporation of America, LabCorp).